The following is an entry in ClinVar:

ClinVar aggregate classification (germline): Uncertain significance. Review status: criteria provided, multiple submitters, no conflicts (2 of 4 stars). 3 submissions from 3 submitters: Uncertain significance (3). Last evaluated 2026-03-12.

Conditions:
RNASEH2A-related disorder. Also called: RNASEH2A-related condition.
Aicardi-Goutieres syndrome 4. Identifiers: Orphanet 51, MedGen C1835912, MONDO:0012472, OMIM 610333.
Inborn genetic diseases. Identifiers: MedGen C0950123, MeSH D030342.

Allele frequency attached by ClinVar (database versions not stated): gnomAD exomes below 0.00001 and 0.00001; ExAC 0.00004; ESP Exome Variant Server 0.00008.
gnomAD v4.1: 15 of 1,570,980 alleles (0.00095%); highest among the groups gnomAD compares: African/African-American, 0.012%; no homozygotes.

Submissions (3):

PreventionGenetics, part of Exact Sciences
Classification: Uncertain significance for RNASEH2A-related condition. Last evaluated: 2026-03-12. Review status: criteria provided, single submitter. Criteria: ACMG Guidelines, 2015. Collection method: clinical testing. Allele origin: germline.
Comment: The RNASEH2A c.32C>T variant is predicted to result in the amino acid substitution p.Thr11Ile. To our knowledge, this variant has not been reported in the literature. This variant is reported in 0.021% of alleles in individuals of African descent in gnomAD. At this time, the clinical significance of this variant is uncertain due to the absence of conclusive functional and genetic evidence.

Ambry Genetics
Classification: Uncertain significance for Inborn genetic diseases. Last evaluated: 2024-11-25. Review status: criteria provided, single submitter. Criteria: Ambry Variant Classification Scheme 2023. Collection method: clinical testing. Allele origin: germline.

Labcorp Genetics (formerly Invitae), Labcorp
Classification: Uncertain significance for Aicardi-Goutieres syndrome 4. Last evaluated: 2022-03-19. Review status: criteria provided, single submitter. Criteria: Invitae Variant Classification Sherloc (09022015). Collection method: clinical testing. Allele origin: germline.
Comment: This sequence change replaces threonine, which is neutral and polar, with isoleucine, which is neutral and non-polar, at codon 11 of the RNASEH2A protein (p.Thr11Ile). The frequency data for this variant in the population databases is considered unreliable, as metrics indicate poor data quality at this position in the gnomAD database. This variant has not been reported in the literature in individuals affected with RNASEH2A-related conditions. Algorithms developed to predict the effect of missense changes on protein structure and function (SIFT, PolyPhen-2, Align-GVGD) all suggest that this variant is likely to be tolerated. In summary, the available evidence is currently insufficient to determine the role of this variant in disease. Therefore, it has been classified as a Variant of Uncertain Significance.

NM_006397.3(RNASEH2A):c.32C>T (p.Thr11Ile)

Genes: RNASEH2A (ribonuclease H2 subunit A; plus strand), LOC117038795 (CRISPRi-FlowFISH-validated PRDX2 regulatory element 4; plus strand). Cytogenetic location: 19p13.13.
Variant type: single nucleotide variant.
Coding change: c.32C>T on transcript NM_006397.3 (MANE Select); coding-DNA position 32, C replaced by T.
Protein change: p.Thr11Ile; replaces threonine 11 with isoleucine.
Molecular consequence: missense variant.
Genome position (GRCh38, 1-based): chr19:12,806,705, C>T. VCF-style: chr19-12806705-C-T. GRCh37 (hg19) VCF-style: chr19-12917519-C-T.
Other names: c.32C>T (NM_006397.2); short protein forms T11I.
Identifiers: ClinVar variation 1433296 (VCV001433296.5), dbSNP rs373265362, ClinGen allele CA9231708.
Genomic context (GRCh38, chr19:12,806,705, plus strand): 5'-TTGCAGCTGGTGGTGGCGGCTGAGGCGGCATGGATCTCAGCGAGCTGGAGAGAGACAATA[C>T]AGGCCGCTGTCGCCTGAGTTCGCCTGTGCCCGCGGTGTGCCGCAAGGAGCCTTGCGTCCT-3'
Protein context (NP_006388.2, residues 1-21): MDLSELERDN[Thr11Ile]GRCRLSSPVP